The following is an entry in ClinVar:

NM_017909.4(RMND1):c.381C>G (p.Phe127Leu)

Gene: RMND1 (required for meiotic nuclear division 1 homolog; minus strand). Cytogenetic location: 6q25.1.
Variant type: single nucleotide variant.
Coding change: c.381C>G on transcript NM_017909.4 (MANE Select); coding-DNA position 381, C replaced by G.
Protein change: p.Phe127Leu; replaces phenylalanine 127 with leucine.
Molecular consequence: missense variant. On other transcripts: intron variant (1).
Genome position (GRCh38, 1-based): chr6:151,445,431, G>C on the plus strand (C>G on the coding strand, the complement: RMND1 is on the minus strand). VCF-style: chr6-151445431-G-C. GRCh37 (hg19) VCF-style: chr6-151766566-G-C.
Other names: c.-7+6585C>G (NM_001271937.2); short protein forms F127L.
Identifiers: ClinVar variation 3897371 (VCV003897371.1).

ClinVar aggregate classification (germline): Uncertain significance (1 of 4 stars; one submission).

gnomAD v4.1: 8 of 1,614,022 alleles (0.0005%); highest among the groups gnomAD compares: Non-Finnish European, 0.00068%; no homozygotes.

Submission:

GeneDx
Classification: Uncertain significance. Last evaluated: 2024-10-30. Review status: criteria provided, single submitter. Criteria: GeneDx Variant Classification Process June 2021. Collection method: clinical testing. Allele origin: germline. Affected: yes.
Comment: Not observed at significant frequency in large population cohorts (gnomAD); In silico analysis indicates that this missense variant does not alter protein structure/function; Has not been previously published as pathogenic or benign to our knowledge